The following is an entry in ClinVar:

ClinVar aggregate classification (germline): Uncertain significance (1 of 4 stars; one submission).

Submission:

Women's Health and Genetics/Laboratory Corporation of America, LabCorp
Classification: Uncertain significance. Last evaluated: 2024-01-22. Review status: criteria provided, single submitter. Criteria: LabCorp Variant Classification Summary - May 2015. Collection method: clinical testing. Allele origin: germline.
Comment: Variant summary: SYNE1 c.12013-4C>T alters a non-conserved nucleotide located close to a canonical splice site and therefore could affect mRNA splicing, leading to a significantly altered protein sequence. Consensus agreement among computation tools predict no significant impact on normal splicing. However, these predictions have yet to be confirmed by functional studies. The variant was absent in 251372 control chromosomes. The available data on variant occurrences in the general population are insufficient to allow any conclusion about variant significance. To our knowledge, no occurrence of c.12013-4C>T in individuals affected with SYNE1-Related Disorders and no experimental evidence demonstrating its impact on protein function have been reported. No submitters have cited clinical-significance assessments for this variant to ClinVar. Based on the evidence outlined above, the variant was classified as uncertain significance.

NM_182961.4(SYNE1):c.12226-4C>T

Gene: SYNE1 (spectrin repeat containing nuclear envelope protein 1; minus strand). Cytogenetic location: 6q25.2.
Variant type: single nucleotide variant.
Coding change: c.12226-4C>T on transcript NM_182961.4 (MANE Select); 4 bases into the intron before coding-DNA position 12226, C replaced by T.
Molecular consequence: intron variant.
Genome position (GRCh38, 1-based): chr6:152,339,370, G>A on the plus strand (C>T on the coding strand, the complement: SYNE1 is on the minus strand). VCF-style: chr6-152339370-G-A. GRCh37 (hg19) VCF-style: chr6-152660505-G-A.
Other names: c.12013-4C>T (NM_033071.5).
Identifiers: ClinVar variation 3063633 (VCV003063633.1), dbSNP rs2486191501, ClinGen allele CA2740091521.